The following is an entry in ClinVar:

NM_033305.3(VPS13A):c.8311A>G (p.Ile2771Val)

Gene: VPS13A (vacuolar protein sorting 13 homolog A; plus strand). Cytogenetic location: 9q21.2.
Variant type: single nucleotide variant.
Coding change: c.8311A>G on transcript NM_033305.3 (MANE Select); coding-DNA position 8311, A replaced by G.
Protein change: p.Ile2771Val; replaces isoleucine 2771 with valine.
Molecular consequence: missense variant.
Genome position (GRCh38, 1-based): chr9:77,365,559, A>G. VCF-style: chr9-77365559-A-G. GRCh37 (hg19) VCF-style: chr9-79980475-A-G.
Other names: c.8194A>G, p.Ile2732Val (NM_001018037.2); c.8311A>G, p.Ile2771Val (NM_001018038.3, NM_015186.4); short protein forms I2732V, I2771V.
Identifiers: ClinVar variation 3767811 (VCV003767811.1).

ClinVar aggregate classification (germline): Uncertain significance (1 of 4 stars; one submission).

gnomAD v4.1: 81 of 1,605,370 alleles (0.005%); highest among the groups gnomAD compares: East Asian, 0.0022%; no homozygotes.

Submission:

GeneDx
Classification: Uncertain significance. Last evaluated: 2024-09-10. Review status: criteria provided, single submitter. Criteria: GeneDx Variant Classification Process June 2021. Collection method: clinical testing. Allele origin: germline. Affected: yes.
Comment: In silico analysis indicates that this missense variant does not alter protein structure/function; Has not been previously published as pathogenic or benign to our knowledge